The following is an entry in ClinVar:

NM_001098.3(ACO2):c.1378A>G (p.Ile460Val)

Gene: ACO2 (aconitase 2; plus strand). Cytogenetic location: 22q13.2.
Variant type: single nucleotide variant.
Coding change: c.1378A>G on transcript NM_001098.3 (MANE Select); coding-DNA position 1378, A replaced by G.
Protein change: p.Ile460Val; replaces isoleucine 460 with valine.
Molecular consequence: missense variant.
Genome position (GRCh38, 1-based): chr22:41,523,837, A>G. VCF-style: chr22-41523837-A-G. GRCh37 (hg19) VCF-style: chr22-41919841-A-G.
Other names: short protein forms I460V.
Identifiers: ClinVar variation 2105083 (VCV002105083.4), dbSNP rs1035008839, ClinGen allele CA324579064.

ClinVar aggregate classification (germline): Uncertain significance (1 of 4 stars; one submission).

gnomAD v4.1: 1 of 1,612,142 alleles (0.000062%); highest among the groups gnomAD compares: Non-Finnish European, 0.000085%; no homozygotes.

Submission:

Labcorp Genetics (formerly Invitae), Labcorp
Classification: Uncertain significance. Last evaluated: 2022-03-13. Review status: criteria provided, single submitter. Criteria: Invitae Variant Classification Sherloc (09022015). Collection method: clinical testing. Allele origin: germline.
Comment: In summary, the available evidence is currently insufficient to determine the role of this variant in disease. Therefore, it has been classified as a Variant of Uncertain Significance. Algorithms developed to predict the effect of sequence changes on RNA splicing suggest that this variant may create or strengthen a splice site. This variant has not been reported in the literature in individuals affected with ACO2-related conditions. This variant is not present in population databases (gnomAD no frequency). This sequence change replaces isoleucine, which is neutral and non-polar, with valine, which is neutral and non-polar, at codon 460 of the ACO2 protein (p.Ile460Val). Algorithms developed to predict the effect of missense changes on protein structure and function (SIFT, PolyPhen-2, Align-GVGD) all suggest that this variant is likely to be tolerated.